The following is an entry in ClinVar:

ClinVar aggregate classification (germline): Pathogenic. Review status: criteria provided, single submitter (1 of 4 stars). 2 submissions from 2 submitters: Pathogenic (1). 1 of the submissions does not count toward it. Last evaluated 2018-08-20.

Conditions:
Neurodevelopmental abnormality. Identifiers: MedGen C4022737, HP:0012759.

Submissions (2):

GeneDx
Classification: Pathogenic. Last evaluated: 2018-08-20. Review status: criteria provided, single submitter. Criteria: GeneDx Variant Classification (06012015). Collection method: clinical testing. Allele origin: germline. Affected: yes.
Comment: The c.1289delC pathogenic variant in the AHDC1 gene causes a frameshift starting with codon Proline 430, changes this amino acid to a Histidine residue and creates a premature Stop codon at position 22 of the new reading frame, denoted p.Pro430HisfsX22. This pathogenic variant is predicted to cause loss of normal protein function through protein truncation as the last 1174 amino acids are lost and replaced with 21 incorrect amino acids. The c.1289delC variant is not observed in large population cohorts (Lek et al., 2016).

Department of Genetics, Rouen University Hospital, Normandy Center for Genomic and Personalized Medicine
Classification: Pathogenic for Neurodevelopmental abnormality. Last evaluated: 2020-04-03. Review status: no assertion criteria provided. Collection method: clinical testing. Allele origin: de novo. Affected: yes. Not counted in ClinVar's aggregate classification.

NM_001371928.1(AHDC1):c.1289del (p.Pro430fs)

Gene: AHDC1 (AT-hook DNA binding motif containing 1; minus strand). Cytogenetic location: 1p36.11.
Variant type: Deletion.
Coding change: c.1289del on transcript NM_001371928.1 (MANE Select); coding-DNA position 1289, one base deleted (C; older notation c.1289delC).
Protein change: p.Pro430fs; shifts the reading frame from proline 430.
Molecular consequence: frameshift variant.
Genome position (GRCh38, 1-based): chr1:27,550,827, G deleted on the plus strand (C on the coding strand, the reverse complement: AHDC1 is on the minus strand); the first of 5 consecutive G bases (chr1:27,550,827-27,550,831); deleting any one gives the same sequence. VCF-style (leftmost placement, unchanged base first): chr1-27550826-TG-T. GRCh37 (hg19) VCF-style: chr1-27877337-TG-T.
Other names: c.1289del, p.Pro430fs (NM_001029882.3); c.1289delC (NM_001029882.3); short protein forms P430fs.
Identifiers: ClinVar variation 817789 (VCV000817789.3), dbSNP rs1571240391, ClinGen allele CA915941191.